The following is an entry in ClinVar:

ClinVar aggregate classification (germline): Pathogenic/Likely pathogenic. Review status: criteria provided, multiple submitters, no conflicts (2 of 4 stars). 4 submissions from 4 submitters: Pathogenic (1); Likely pathogenic (2). 1 of the submissions does not count toward it. Last evaluated 2024-07-26.

Conditions:
Early-infantile DEE. Also called: Early infantile epileptic encephalopathy; Ohtahara syndrome; Early infantile epileptic encephalopathy with suppression bursts. Identifiers: Orphanet 1934, MedGen C0393706, MONDO:0800491.
Seizures, benign familial neonatal, 1. Also called: KCNQ2-Related Benign Familial Neonatal Epilepsy; Benign Neonatal Epilepsy 1; KCNQ2-Related Self-Limited Familial Neonatal Epilepsy (SLFNE); Seizures, benign neonatal, 1. Identifiers: Orphanet 1949, MedGen C3149074, MONDO:0007365, OMIM 121200.
Developmental and epileptic encephalopathy, 7 (DEE7). Also called: KCNQ2-Related Neonatal Epileptic Encephalopathy; Early infantile epileptic encephalopathy 7; KCNQ2-Related Neonatal-Onset Developmental and Epileptic Encephalopathy (NEO-DEE). Identifiers: Orphanet 439218, MedGen C3150986, MONDO:0013387, OMIM 613720.

Allele frequency attached by ClinVar (database versions not stated): gnomAD exomes below 0.00001.
gnomAD v4.1: 1 of 1,613,364 alleles (0.000062%); highest among the groups gnomAD compares: Non-Finnish European, 0.000085%; no homozygotes.

Submissions (10):

GeneDx
Classification: Pathogenic. Last evaluated: 2024-07-26. Review status: criteria provided, single submitter. Criteria: GeneDx Variant Classification Process June 2021. Collection method: clinical testing. Allele origin: germline. Affected: yes.
Comment: Not observed at significant frequency in large population cohorts (gnomAD); In silico analysis supports that this missense variant has a deleterious effect on protein structure/function; This substitution is predicted to be within the C-terminal cytoplasmic domain.; This variant is associated with the following publications: (PMID: 20437616, 31418850, 35104249, 25982755)

Labcorp Genetics (formerly Invitae), Labcorp
Classification: Likely pathogenic for Early-infantile DEE. Last evaluated: 2024-07-09. Review status: criteria provided, single submitter. Criteria: Invitae Variant Classification Sherloc (09022015). Collection method: clinical testing. Allele origin: germline.
Comment: This sequence change replaces methionine, which is neutral and non-polar, with valine, which is neutral and non-polar, at codon 578 of the KCNQ2 protein (p.Met578Val). This variant is not present in population databases (gnomAD no frequency). This missense change has been observed in individual(s) with KCNQ2-related conditions (PMID: 25982755). It has also been observed to segregate with disease in related individuals. ClinVar contains an entry for this variant (Variation ID: 369807). An algorithm developed to predict the effect of missense changes on protein structure and function (PolyPhen-2) suggests that this variant is likely to be disruptive. Experimental studies have shown that this missense change affects KCNQ2 function (PMID: 35104249). This variant disrupts the p.Met578 amino acid residue in KCNQ2. Other variant(s) that disrupt this residue have been determined to be pathogenic (PMID: 24371303). This suggests that this residue is clinically significant, and that variants that disrupt this residue are likely to be disease-causing. In summary, the currently available evidence indicates that the variant is pathogenic, but additional data are needed to prove that conclusively. Therefore, this variant has been classified as Likely Pathogenic.

Juno Genomics, Hangzhou Juno Genomics, Inc
Classification: Likely pathogenic for Developmental and epileptic encephalopathy, 7; Seizures, benign familial neonatal, 1. Review status: criteria provided, single submitter. Criteria: ACMG Guidelines, 2015. Collection method: clinical testing. Allele origin: germline. Affected: yes.
Comment: Absent from controls (or at extremely low frequency if recessive) in Genome Aggregation Database, Exome Sequencing Project, 1000 Genomes Project, or Exome Aggregation Consortium.;Well-established in vitro or in vivo functional studies supportive of a damaging effect on the gene or gene product.;Missense variant in a gene that has a low rate of benign missense variation and where missense variants are a common mechanism of disease.;Novel missense change at an amino acid residue where a different missense change determined to be pathogenic has been seen before.;Co-segregation with disease in multiple affected family members in a gene definitively known to cause the disease.

Channelopathy-Associated Epilepsy Research Center
No classification provided (evidence only). Condition: Complex neurodevelopmental disorder. Review status: no classification provided. Collection method: literature only. Allele origin: not applicable. Functional consequence: Moderate decrease in peak current, Moderate slowing of activation, Moderate hyperpolarizing shift of voltage dependence of activation. Not counted in ClinVar's aggregate classification.
ClinVar note: "not provided" was previously submitted as the classification for the variant. However, the classification appeared to be based only on an observation of functional data so it was converted to no classification on 2025-07-30.

Channelopathy-Associated Epilepsy Research Center
No classification provided (evidence only). Review status: no classification provided. Collection method: in vitro. Allele origin: not applicable. Functional consequence: Normal peak current. Not counted in ClinVar's aggregate classification.

Channelopathy-Associated Epilepsy Research Center
No classification provided (evidence only). Review status: no classification provided. Collection method: in vitro. Allele origin: not applicable. Functional consequence: Normal peak current. Not counted in ClinVar's aggregate classification.

Channelopathy-Associated Epilepsy Research Center
No classification provided (evidence only). Review status: no classification provided. Collection method: in vitro. Allele origin: not applicable. Functional consequence: Normal voltage dependence of activation. Not counted in ClinVar's aggregate classification.

Channelopathy-Associated Epilepsy Research Center
No classification provided (evidence only). Review status: no classification provided. Collection method: in vitro. Allele origin: not applicable. Functional consequence: Normal slope of activation. Not counted in ClinVar's aggregate classification.

Channelopathy-Associated Epilepsy Research Center
No classification provided (evidence only). Review status: no classification provided. Collection method: in vitro. Allele origin: not applicable. Functional consequence: Normal rate of activation. Not counted in ClinVar's aggregate classification.

GeneReviews
No classification provided. Condition: Seizures, benign familial neonatal, 1. Review status: no classification provided. Collection method: literature only. Allele origin: germline. Affected: yes. Not counted in ClinVar's aggregate classification.
Comment: BFNE (benign familial neonatal epilepsy)

Literature cited by the submitters: PubMed 25982755 (cited by Labcorp Genetics (formerly Invitae), Labcorp and GeneReviews); PubMed 35104249 (cited by Labcorp Genetics (formerly Invitae), Labcorp and Channelopathy-Associated Epilepsy Research Center); PubMed 24371303 (cited by Labcorp Genetics (formerly Invitae), Labcorp); NCBI Bookshelf NBK32534 (cited by GeneReviews).

NM_172107.4(KCNQ2):c.1732A>G (p.Met578Val)

Gene: KCNQ2 (potassium voltage-gated channel subfamily Q member 2; minus strand). Cytogenetic location: 20q13.33.
Variant type: single nucleotide variant.
Coding change: c.1732A>G on transcript NM_172107.4 (MANE Select); coding-DNA position 1732, A replaced by G.
Protein change: p.Met578Val; replaces methionine 578 with valine.
Molecular consequence: missense variant.
Genome position (GRCh38, 1-based): chr20:63,413,481, T>C on the plus strand (A>G on the coding strand, the complement: KCNQ2 is on the minus strand). VCF-style: chr20-63413481-T-C. GRCh37 (hg19) VCF-style: chr20-62044834-T-C.
Other names: c.1648A>G, p.Met550Val (NM_004518.6); c.1678A>G, p.Met560Val (NM_172106.3); c.1639A>G, p.Met547Val (NM_172108.5); short protein forms M578V, M560V, M547V, M550V.
Identifiers: ClinVar variation 369807 (VCV000369807.17), dbSNP rs1057516123, ClinGen allele CA10654781.